The following is an entry in ClinVar:

ClinVar aggregate classification (germline): Uncertain significance (1 of 4 stars; one submission).

gnomAD v4.1: 63 of 1,613,790 alleles (0.0039%); highest among the groups gnomAD compares: Admixed American, 0.1%; no homozygotes.

Submission:

Labcorp Genetics (formerly Invitae), Labcorp
Classification: Uncertain significance. Last evaluated: 2025-08-18. Review status: criteria provided, single submitter. Criteria: Invitae Variant Classification Sherloc (09022015). Collection method: clinical testing. Allele origin: germline.
Comment: This sequence change replaces alanine, which is neutral and non-polar, with glutamic acid, which is acidic and polar, at codon 1418 of the SLIT2 protein (p.Ala1418Glu). This variant is present in population databases (rs143417693, gnomAD 0.1%), and has an allele count higher than expected for a pathogenic variant. This variant has not been reported in the literature in individuals affected with SLIT2-related conditions. ClinVar contains an entry for this variant (Variation ID: 2045747). An algorithm developed to predict the effect of missense changes on protein structure and function (PolyPhen-2) suggests that this variant is likely to be tolerated. In summary, the available evidence is currently insufficient to determine the role of this variant in disease. Therefore, it has been classified as a Variant of Uncertain Significance.

NM_004787.4(SLIT2):c.4253C>A (p.Ala1418Glu)

Gene: SLIT2 (slit guidance ligand 2; plus strand). Cytogenetic location: 4p15.31.
Variant type: single nucleotide variant.
Coding change: c.4253C>A on transcript NM_004787.4 (MANE Select); coding-DNA position 4253, C replaced by A.
Protein change: p.Ala1418Glu; replaces alanine 1418 with glutamic acid.
Molecular consequence: missense variant.
Genome position (GRCh38, 1-based): chr4:20,617,555, C>A. VCF-style: chr4-20617555-C-A. GRCh37 (hg19) VCF-style: chr4-20619178-C-A.
Other names: c.4241C>A, p.Ala1414Glu (NM_001289135.3); c.4229C>A, p.Ala1410Glu (NM_001289136.3); short protein forms A1418E, A1410E, A1414E.
Identifiers: ClinVar variation 2045747 (VCV002045747.4), dbSNP rs143417693, ClinGen allele CA2872396.
Genomic context (GRCh38, chr4:20,617,555, plus strand): 5'-TGGAGGGCCATGGAGGTGTCCTCTGTGATGAAGAGGAGGATCTGTTTAACCCATGCCAGG[C>A]GATCAAGTGCAAGCATGGGAAGTGCAGGCTTTCAGGTCTGGGGCAGCCCTACTGTGAATG-3'
Protein context (NP_004778.1, residues 1408-1428): EEEDLFNPCQ[Ala1418Glu]IKCKHGKCRL